The following is an entry in ClinVar:

NM_000369.5(TSHR):c.1454C>T (p.Ala485Val)

Genes: TSHR (thyroid stimulating hormone receptor; plus strand), TSHR-AS1 (TSHR antisense RNA 1; minus strand). Cytogenetic location: 14q31.1.
Variant type: single nucleotide variant.
Coding change: c.1454C>T on transcript NM_000369.5 (MANE Select); coding-DNA position 1454, C replaced by T.
Protein change: p.Ala485Val; replaces alanine 485 with valine.
Molecular consequence: missense variant.
Genome position (GRCh38, 1-based): chr14:81,143,512, C>T. VCF-style: chr14-81143512-C-T. GRCh37 (hg19) VCF-style: chr14-81609856-C-T.
Other names: short protein forms A485V.
Identifiers: ClinVar variation 4820253 (VCV004820253.1).

ClinVar aggregate classification (germline): Likely pathogenic (1 of 4 stars; one submission).

Conditions:
Hyperthyroidism. Identifiers: MedGen C0020550, MONDO:0004425, HP:0000836.

Submission:

Cambridge Genomics Laboratory, East Genomic Laboratory Hub, NHS Genomic Medicine Service
Classification: Likely pathogenic for Hyperthyroidism. Last evaluated: 2026-04-01. Review status: criteria provided, single submitter. Criteria: ACGS Best Practice Guidelines for Variant Classification in Rare Disease 2020. Collection method: clinical testing. Allele origin: germline. Affected: yes.
Comment: PS2,PM1,PM2